The following is an entry in ClinVar:

NM_001040616.3(LINS1):c.597del (p.Glu200fs)

Gene: LINS1 (lines homolog 1; minus strand). Cytogenetic location: 15q26.3.
Variant type: Deletion.
Coding change: c.597del on transcript NM_001040616.3 (MANE Select); coding-DNA position 597, one base deleted (A; older notation c.597delA).
Protein change: p.Glu200fs; shifts the reading frame from glutamic acid 200.
Molecular consequence: frameshift variant. On other transcripts: 5 prime UTR variant (1), non-coding transcript variant (3).
Genome position (GRCh38, 1-based): chr15:100,575,021, T deleted on the plus strand (A on the coding strand, the reverse complement: LINS1 is on the minus strand); the first of 4 consecutive T bases (chr15:100,575,021-100,575,024); deleting any one gives the same sequence. VCF-style (leftmost placement, unchanged base first): chr15-100575020-CT-C. GRCh37 (hg19) VCF-style: chr15-101115225-CT-C.
Other names: c.-151del (NM_001352507.2); c.552del, p.Glu185fs (NM_001352508.2); c.597del (NM_001040616.2); short protein forms E185fs, E200fs.
Identifiers: ClinVar variation 982564 (VCV000982564.2), dbSNP rs1198074890, ClinGen allele CA620111431.

ClinVar aggregate classification (germline): Likely pathogenic (1 of 4 stars; one submission).

Conditions:
Intellectual developmental disorder, autosomal recessive 27. Also called: Mental retardation, autosomal recessive 27; Intellectual disability, autosomal recessive 27. Identifiers: Orphanet 88616, MedGen C3280538, MONDO:0013702, OMIM 614340.

Submission:

Equipe Genetique des Anomalies du Developpement, Université de Bourgogne
Classification: Likely pathogenic for Intellectual developmental disorder, autosomal recessive 27. Last evaluated: 2020-08-26. Review status: criteria provided, single submitter. Criteria: ACMG Guidelines, 2015. Collection method: clinical testing. Allele origin: paternal. Affected: yes.
Comment: This variant was observed in compound heterozygosity with variant c.557_558del

Literature cited by the submitters: PubMed 32499722; PubMed 32802957.